The following is an entry in ClinVar:

ClinVar aggregate classification (germline): Uncertain significance (1 of 4 stars; one submission).

Submission:

Ambry Genetics
Classification: Uncertain significance. Last evaluated: 2022-01-21. Review status: criteria provided, single submitter. Criteria: Ambry Variant Classification Scheme 2023. Collection method: clinical testing. Allele origin: germline.
Comment: The p.S325L variant (also known as c.974C>T), located in coding exon 7 of the BUB3 gene, results from a C to T substitution at nucleotide position 974. The serine at codon 325 is replaced by leucine, an amino acid with dissimilar properties. This amino acid position is conserved. In addition, this alteration is predicted to be tolerated by in silico analysis. Since supporting evidence is limited at this time, the clinical significance of this alteration remains unclear.

NM_004725.4(BUB3):c.974C>T (p.Ser325Leu)

Gene: BUB3 (BUB3 mitotic checkpoint protein; plus strand). Cytogenetic location: 10q26.13.
Variant type: single nucleotide variant.
Coding change: c.974C>T on transcript NM_004725.4 (MANE Select); coding-DNA position 974, C replaced by T.
Protein change: p.Ser325Leu; replaces serine 325 with leucine.
Molecular consequence: missense variant. On other transcripts: intron variant (1).
Genome position (GRCh38, 1-based): chr10:123,163,822, C>T. VCF-style: chr10-123163822-C-T. GRCh37 (hg19) VCF-style: chr10-124923338-C-T.
Other names: c.971+994C>T (NM_001007793.3); short protein forms S325L.
Identifiers: ClinVar variation 1768071 (VCV001768071.2), dbSNP rs750383253, ClinGen allele CA378627345.